The following is an entry in ClinVar:

NM_000553.6(WRN):c.3187C>T (p.Leu1063Phe)

Gene: WRN (WRN RecQ like helicase; plus strand). Cytogenetic location: 8p12.
Variant type: single nucleotide variant.
Coding change: c.3187C>T on transcript NM_000553.6 (MANE Select); coding-DNA position 3187, C replaced by T.
Protein change: p.Leu1063Phe; replaces leucine 1063 with phenylalanine.
Molecular consequence: missense variant.
Genome position (GRCh38, 1-based): chr8:31,141,729, C>T. VCF-style: chr8-31141729-C-T. GRCh37 (hg19) VCF-style: chr8-30999245-C-T.
Other names: short protein forms L1063F.
Identifiers: ClinVar variation 2162484 (VCV002162484.4), dbSNP rs2130417402, ClinGen allele CA370923076.

ClinVar aggregate classification (germline): Uncertain significance (1 of 4 stars; one submission).

Conditions:
Werner syndrome (WRN). Identifiers: Orphanet 902, MedGen C0043119, MONDO:0010196, OMIM 277700.

Submission:

Labcorp Genetics (formerly Invitae), Labcorp
Classification: Uncertain significance for Werner syndrome. Last evaluated: 2024-04-15. Review status: criteria provided, single submitter. Criteria: Invitae Variant Classification Sherloc (09022015). Collection method: clinical testing. Allele origin: germline.
Comment: This sequence change replaces leucine, which is neutral and non-polar, with phenylalanine, which is neutral and non-polar, at codon 1063 of the WRN protein (p.Leu1063Phe). This variant is not present in population databases (gnomAD no frequency). This variant has not been reported in the literature in individuals affected with WRN-related conditions. ClinVar contains an entry for this variant (Variation ID: 2162484). An algorithm developed to predict the effect of missense changes on protein structure and function (PolyPhen-2) suggests that this variant is likely to be disruptive. In summary, the available evidence is currently insufficient to determine the role of this variant in disease. Therefore, it has been classified as a Variant of Uncertain Significance.